The following is an entry in ClinVar:

NM_006767.4(LZTR1):c.1153C>A (p.Pro385Thr)

Gene: LZTR1 (leucine zipper like post translational regulator 1; plus strand). Cytogenetic location: 22q11.21.
Variant type: single nucleotide variant.
Coding change: c.1153C>A on transcript NM_006767.4 (MANE Select); coding-DNA position 1153, C replaced by A.
Protein change: p.Pro385Thr; replaces proline 385 with threonine.
Molecular consequence: missense variant.
Genome position (GRCh38, 1-based): chr22:20,992,797, C>A. VCF-style: chr22-20992797-C-A. GRCh37 (hg19) VCF-style: chr22-21347086-C-A.
Other names: short protein forms P385T.
Identifiers: ClinVar variation 3238024 (VCV003238024.1), dbSNP rs2147965898.

ClinVar aggregate classification (germline): Uncertain significance (1 of 4 stars; one submission).

Conditions:
Hereditary cancer-predisposing syndrome. Also called: Neoplastic Syndromes, Hereditary; Tumor predisposition; Hereditary neoplastic syndrome; Hereditary Cancer Syndrome. Identifiers: Orphanet 140162, MedGen C0027672, MeSH D009386, MONDO:0015356.
Cardiovascular phenotype. Identifiers: MedGen CN230736.

Submission:

Ambry Genetics
Classification: Uncertain significance for Cardiovascular phenotype; Hereditary cancer-predisposing syndrome. Last evaluated: 2023-09-05. Review status: criteria provided, single submitter. Criteria: Ambry Variant Classification Scheme 2023. Collection method: clinical testing. Allele origin: germline.
Comment: The p.P385T variant (also known as c.1153C>A), located in coding exon 11 of the LZTR1 gene, results from a C to A substitution at nucleotide position 1153. The proline at codon 385 is replaced by threonine, an amino acid with highly similar properties. This amino acid position is conserved. In addition, this alteration is predicted to be deleterious by in silico analysis. Since supporting evidence is limited at this time, the clinical significance of this alteration remains unclear.